The following is an entry in ClinVar:

ClinVar aggregate classification (germline): Uncertain significance (1 of 4 stars; one submission).

Submission:

Labcorp Genetics (formerly Invitae), Labcorp
Classification: Uncertain significance. Last evaluated: 2023-08-07. Review status: criteria provided, single submitter. Criteria: Invitae Variant Classification Sherloc (09022015). Collection method: clinical testing. Allele origin: germline.
Comment: This variant, c.7042_7047dup, results in the insertion of 2 amino acid(s) of the ACAN protein (p.Cys2348_Arg2349dup), but otherwise preserves the integrity of the reading frame. This variant is not present in population databases (gnomAD no frequency). This variant has not been reported in the literature in individuals affected with ACAN-related conditions. ClinVar contains an entry for this variant (Variation ID: 2044271). In summary, the available evidence is currently insufficient to determine the role of this variant in disease. Therefore, it has been classified as a Variant of Uncertain Significance.

NM_001369268.1(ACAN):c.7156_7161dup (p.Arg2387_Glu2388insCysArg)

Gene: ACAN (aggrecan; plus strand). Cytogenetic location: 15q26.1.
Variant type: Duplication.
Coding change: c.7156_7161dup on transcript NM_001369268.1 (MANE Select); coding-DNA positions 7156 to 7161, 6 bases duplicated (TGTCGG; older notation c.7156_7161dupTGTCGG).
Protein change: p.Arg2387_Glu2388insCysArg.
Molecular consequence: inframe insertion. On other transcripts: inframe indel (2).
Genome position (GRCh38, 1-based): chr15:88,871,477-88,871,482, TGTCGG duplicated; duplicating any 6 consecutive bases within chr15:88,871,474-88,871,482 gives the same sequence; the c. name uses the placement nearest the transcript's 3' end. VCF-style (leftmost placement, unchanged base first): chr15-88871473-C-CCGGTGT. GRCh37 (hg19) VCF-style: chr15-89414704-C-CCGGTGT.
Other names: c.6928_6933dup, p.Arg2311_Glu2312insCysArg (NM_001135.4, NM_001411096.1); c.7042_7047dup, p.Arg2349_Glu2350insCysArg (NM_001411097.1, NM_013227.4).
Identifiers: ClinVar variation 2044271 (VCV002044271.4), dbSNP rs775701947, ClinGen allele CA7720574.